The following is an entry in ClinVar:

ClinVar aggregate classification (germline): Uncertain significance (1 of 4 stars; one submission).

Conditions:
MHC class II deficiency. Also called: Bare lymphocyte syndrome 2; BLS, TYPE II. Identifiers: Orphanet 572, MedGen C5447452, MONDO:0008855.

Allele frequency attached by ClinVar (database versions not stated): gnomAD exomes below 0.00001.
gnomAD v4.1: 1 of 1,614,180 alleles (0.000062%); highest among the groups gnomAD compares: South Asian, 0.0011%; no homozygotes.

Submission:

Labcorp Genetics (formerly Invitae), Labcorp
Classification: Uncertain significance for MHC class II deficiency. Last evaluated: 2022-01-27. Review status: criteria provided, single submitter. Criteria: Invitae Variant Classification Sherloc (09022015). Collection method: clinical testing. Allele origin: germline.
Comment: This sequence change replaces lysine, which is basic and polar, with arginine, which is basic and polar, at codon 330 of the CIITA protein (p.Lys330Arg). This variant is not present in population databases (gnomAD no frequency). In summary, the available evidence is currently insufficient to determine the role of this variant in disease. Therefore, it has been classified as a Variant of Uncertain Significance. Algorithms developed to predict the effect of missense changes on protein structure and function (SIFT, PolyPhen-2, Align-GVGD) all suggest that this variant is likely to be tolerated. This variant has not been reported in the literature in individuals affected with CIITA-related conditions.

NM_000246.4(CIITA):c.989A>G (p.Lys330Arg)

Gene: CIITA (class II major histocompatibility complex transactivator; plus strand). Cytogenetic location: 16p13.13.
Variant type: single nucleotide variant.
Coding change: c.989A>G on transcript NM_000246.4 (MANE Select); coding-DNA position 989, A replaced by G.
Protein change: p.Lys330Arg; replaces lysine 330 with arginine.
Molecular consequence: missense variant. On other transcripts: non-coding transcript variant (1).
Genome position (GRCh38, 1-based): chr16:10,904,795, A>G. VCF-style: chr16-10904795-A-G. GRCh37 (hg19) VCF-style: chr16-10998652-A-G.
Other names: c.992A>G, p.Lys331Arg (NM_001286402.1, NM_001379332.1); c.842A>G, p.Lys281Arg (NM_001286403.2, NM_001379331.1); c.845A>G, p.Lys282Arg (NM_001379330.1); c.989A>G, p.Lys330Arg (NM_001379333.1); c.920A>G, p.Lys307Arg (NM_001379334.1); short protein forms K282R, K281R, K330R, K307R, K331R.
Identifiers: ClinVar variation 1942396 (VCV001942396.5), dbSNP rs2544446967, ClinGen allele CA394729533.